The following is an entry in ClinVar:

NM_001378454.1(ALMS1):c.9191T>G (p.Leu3064Ter)

Gene: ALMS1 (ALMS1 centrosome and basal body associated protein; plus strand). Cytogenetic location: 2p13.1.
Variant type: single nucleotide variant.
Coding change: c.9191T>G on transcript NM_001378454.1 (MANE Select); coding-DNA position 9191, T replaced by G.
Protein change: p.Leu3064Ter; replaces leucine 3064 with a stop codon.
Molecular consequence: nonsense.
Genome position (GRCh38, 1-based): chr2:73,491,150, T>G. VCF-style: chr2-73491150-T-G. GRCh37 (hg19) VCF-style: chr2-73718277-T-G.
Other names: c.9194T>G, p.Leu3065Ter (NM_015120.4); short protein forms L3065*, L3064*.
Identifiers: ClinVar variation 801722 (VCV000801722.3), dbSNP rs1434010689, ClinGen allele CA347273455.

ClinVar aggregate classification (germline): Pathogenic. Review status: criteria provided, multiple submitters, no conflicts (2 of 4 stars). 3 submissions from 3 submitters: Pathogenic (3). Last evaluated 2025-10-27.

Conditions:
Alstrom syndrome (ALMS). Identifiers: Orphanet 64, MedGen C0268425, MONDO:0008763, OMIM 203800.

Submissions (3):

Labcorp Genetics (formerly Invitae), Labcorp
Classification: Pathogenic for Alstrom syndrome. Last evaluated: 2025-10-27. Review status: criteria provided, single submitter. Criteria: Invitae Variant Classification Sherloc (09022015). Collection method: clinical testing. Allele origin: germline.
Comment: This sequence change creates a premature translational stop signal (p.Leu3065*) in the ALMS1 gene. It is expected to result in an absent or disrupted protein product. Loss-of-function variants in ALMS1 are known to be pathogenic (PMID: 17594715). This variant is not present in population databases (gnomAD no frequency). This premature translational stop signal has been observed in individual(s) with Alstrom syndrome (PMID: 17594715). ClinVar contains an entry for this variant (Variation ID: 801722). For these reasons, this variant has been classified as Pathogenic.

Natera, Inc.
Classification: Pathogenic for Alstrom syndrome. Last evaluated: 2024-12-23. Review status: criteria provided, single submitter. Criteria: Natera Variant Classification Schema (03/2026). Collection method: clinical testing. Allele origin: germline.
Comment: The c.9194T>G variant in ALMS1 is a nonsense variant predicted to introduce a stop codon at amino acid 3065. This variant is expected to result in nonsense mediated decay, truncation, or a dysfunctional protein product. This variant is rare in the general population with a frequency below the threshold expected for the associated phenotype(s). This variant has been observed in one or more individuals affected with the associated recessive disease, as either homozygous or compound heterozygous with a second variant (PMID: 30064963, 17594715). Given the available evidence, this variant is classified as Pathogenic.

Mendelics
Classification: Pathogenic for Alstrom syndrome. Last evaluated: 2019-05-28. Review status: criteria provided, single submitter. Criteria: Mendelics Assertion Criteria 2017. Collection method: clinical testing. Allele origin: unknown.

Literature cited by the submitters: PubMed 17594715 (cited by Labcorp Genetics (formerly Invitae), Labcorp and Natera, Inc.); PubMed 30064963 (cited by Natera, Inc.).